The following is an entry in ClinVar:

ClinVar aggregate classification (germline): Uncertain significance (1 of 4 stars; one submission).

Allele frequency attached by ClinVar (database versions not stated): TOPMed 0.00006; ESP Exome Variant Server 0.00008.
gnomAD v4.1: 124 of 1,607,330 alleles (0.0077%); highest among the groups gnomAD compares: Non-Finnish European, 0.0099%; no homozygotes.

Submission:

GeneDx
Classification: Uncertain significance. Last evaluated: 2019-12-16. Review status: criteria provided, single submitter. Criteria: GeneDx Variant Classification Process June 2021. Collection method: clinical testing. Allele origin: germline. Affected: yes.
Comment: Has not been previously published as pathogenic or benign to our knowledge; In silico analysis, which includes splice predictors and evolutionary conservation, supports that this variant does not alter protein structure/function

NM_001253852.3(AP4B1):c.1118G>A (p.Gly373Asp)

Genes: AP4B1 (adaptor related protein complex 4 subunit beta 1; minus strand), AP4B1-AS1 (AP4B1 antisense RNA 1; plus strand). Cytogenetic location: 1p13.2.
Variant type: single nucleotide variant.
Coding change: c.1118G>A on transcript NM_001253852.3 (MANE Select); coding-DNA position 1118, G replaced by A.
Protein change: p.Gly373Asp; replaces glycine 373 with aspartic acid.
Molecular consequence: missense variant.
Genome position (GRCh38, 1-based): chr1:113,898,798, C>T on the plus strand (G>A on the coding strand, the complement: AP4B1 is on the minus strand). VCF-style: chr1-113898798-C-T. GRCh37 (hg19) VCF-style: chr1-114441420-C-T.
Other names: c.821G>A, p.Gly274Asp (NM_001253853.3); c.614G>A, p.Gly205Asp (NM_001308312.2); c.1118G>A, p.Gly373Asp (NM_006594.5); short protein forms G205D, G274D, G373D.
Identifiers: ClinVar variation 1311445 (VCV001311445.2), dbSNP rs370213016, ClinGen allele CA1015893.
Genomic context (GRCh38, chr1:113,898,798, plus strand): 5'-CGAAGACCCAGCAACTCTGTTAAAATCTGAACACATTGATCTGTGTAAGTCCTGGCAATG[C>T]CACCTACAAAAGAAGGGAAAGCAGAGAAAACTGCTAAGTGAAATATTAGCACCTCAATCT-3'
Protein context (NP_001240781.1, residues 363-383): FAQAAIFAIG[Gly373Asp]IARTYTDQCV